The following is an entry in ClinVar:

NM_018489.3(ASH1L):c.6759T>G (p.Tyr2253Ter)

Gene: ASH1L (ASH1 like histone lysine methyltransferase; minus strand). Cytogenetic location: 1q22.
Variant type: single nucleotide variant.
Coding change: c.6759T>G on transcript NM_018489.3 (MANE Select); coding-DNA position 6759, T replaced by G.
Protein change: p.Tyr2253Ter; replaces tyrosine 2253 with a stop codon.
Molecular consequence: nonsense.
Genome position (GRCh38, 1-based): chr1:155,360,337, A>C on the plus strand (T>G on the coding strand, the complement: ASH1L is on the minus strand). VCF-style: chr1-155360337-A-C. GRCh37 (hg19) VCF-style: chr1-155330128-A-C.
Other names: c.6774T>G, p.Tyr2258Ter (NM_001366177.2); short protein forms Y2253*, Y2258*.
Identifiers: ClinVar variation 3775490 (VCV003775490.1).
Genomic context (GRCh38, chr1:155,360,337, plus strand): 5'-CCCTCTAGGATTTATTATTCTTACCTGTTTTTCCACATTGAAGGAATGAAAGTTATAATC[A>C]TAAGTGAGTTCAGTCCCAGCTGGCATGTCTTTAAGAGCATAGAGTCCAATCCGGTATACT-3'

ClinVar aggregate classification (germline): Likely pathogenic (1 of 4 stars; one submission).

Conditions:
Intellectual developmental disorder, autosomal dominant 52. Also called: Intellectual disability, autosomal dominant 52; Mental retardation, autosomal dominant 52. Identifiers: MedGen C4540478, MONDO:0030918, OMIM 617796.

Submission:

3billion
Classification: Likely pathogenic for Intellectual developmental disorder, autosomal dominant 52. Last evaluated: 2024-01-30. Review status: criteria provided, single submitter. Criteria: ACMG Guidelines, 2015. Collection method: clinical testing. Allele origin: germline. Affected: yes.
Comment: The variant is not observed in the gnomAD v2.1.1 dataset. Predicted Consequence/Location: Stop-gained (nonsense): predicted to result in a loss or disruption of normal protein function through nonsense-mediated decay (NMD) or protein truncation. Multiple pathogenic variants are reported downstream of the variant. Therefore, this variant is classified as Likely pathogenic according to the recommendation of ACMG/AMP guideline.